The following is an entry in ClinVar:

ClinVar aggregate classification (germline): Uncertain significance. Review status: criteria provided, multiple submitters, no conflicts (2 of 4 stars). 2 submissions from 2 submitters: Uncertain significance (2). Last evaluated 2025-11-10.

Conditions:
Inborn genetic diseases. Identifiers: MedGen C0950123, MeSH D030342.
Wilms tumor 1 (WT1). Also called: Wilms tumor, somatic. Identifiers: Orphanet 654, MedGen CN033288, MONDO:0008679, OMIM 194070.

Allele frequency attached by ClinVar (database versions not stated): gnomAD exomes below 0.00001.
gnomAD v4.1: 1 of 1,604,596 alleles (0.000062%); highest among the groups gnomAD compares: Non-Finnish European, 0.000085%; no homozygotes.

Submissions (2):

Ambry Genetics
Classification: Uncertain significance for Inborn genetic diseases. Last evaluated: 2025-11-10. Review status: criteria provided, single submitter. Criteria: Ambry Variant Classification Scheme 2023. Collection method: clinical testing. Allele origin: germline.
Comment: The p.Y261H variant (also known as c.781T>C), located in coding exon 3 of the WT1 gene, results from a T to C substitution at nucleotide position 781. The tyrosine at codon 261 is replaced by histidine, an amino acid with similar properties. This amino acid position is conserved. In addition, the in silico prediction for this alteration is inconclusive. Based on the available evidence, the clinical significance of this variant remains unclear.

All of Us Research Program, National Institutes of Health
Classification: Uncertain significance for Wilms tumor 1. Last evaluated: 2022-11-28. Review status: criteria provided, single submitter. Criteria: ACMG Guidelines, 2015. Collection method: clinical testing. Allele origin: germline. Inheritance: Autosomal dominant inheritance. Observed: 1 variant allele, 1 heterozygote.
Comment: This study involves interpretation of variants in research participants for the purpose of population health screening. Participant phenotype was not available at the time of variant classification. Additional details can be found in publication PMID: 35346344, PMCID: PMC8962531

NM_024426.6(WT1):c.796T>C (p.Tyr266His)

Gene: WT1 (WT1 transcription factor; minus strand). Cytogenetic location: 11p13.
Variant type: single nucleotide variant.
Coding change: c.796T>C on transcript NM_024426.6 (MANE Select); coding-DNA position 796, T replaced by C.
Protein change: p.Tyr266His; replaces tyrosine 266 with histidine.
Molecular consequence: missense variant. On other transcripts: non-coding transcript variant (2).
Genome position (GRCh38, 1-based): chr11:32,428,047, A>G on the plus strand (T>C on the coding strand, the complement: WT1 is on the minus strand). VCF-style: chr11-32428047-A-G. GRCh37 (hg19) VCF-style: chr11-32449593-A-G.
Other names: c.796T>C, p.Tyr266His (NM_000378.6, NM_001407044.1, NM_001407045.1 and 4 more transcripts); c.145T>C, p.Tyr49His (NM_001198551.2, NM_001198552.2); c.673T>C, p.Tyr225His (NM_001407047.1, NM_001407050.1); c.34T>C, p.Tyr12His (NM_001407051.1); c.577T>C, p.Tyr193His (NM_001429031.1, NM_001429032.1, NM_001429033.1 and 1 more transcripts); c.781T>C, p.Tyr261His (NM_024425.2); c.781T>C (NM_024426.4); short protein forms Y12H, Y193H, Y225H, Y261H, Y266H, Y49H.
Identifiers: ClinVar variation 3069301 (VCV003069301.3), dbSNP rs2494426595, ClinGen allele CA379963155.
Genomic context (GRCh38, chr11:32,428,047, plus strand): 5'-GGCTGCCGGTGCAGCTGTCGGTGGGGGTGTGGCAGCCATAGACCGGGGGCGGCACCGAGT[A>G]CTGCTGCTCACCTGCAGAGAGAACCGAAGACAGCTGAGCGAGTGCGCCCCAAGGGCTCGG-3'
Protein context (NP_077744.4, residues 256-276): GQQGSLGEQQ[Tyr266His]SVPPPVYGCH